The following is an entry in ClinVar:

NM_001042472.3(ABHD12):c.548G>A (p.Gly183Asp)

Gene: ABHD12 (abhydrolase domain containing 12, lysophospholipase; minus strand). Cytogenetic location: 20p11.21.
Variant type: single nucleotide variant.
Coding change: c.548G>A on transcript NM_001042472.3 (MANE Select); coding-DNA position 548, G replaced by A.
Protein change: p.Gly183Asp; replaces glycine 183 with aspartic acid.
Molecular consequence: missense variant.
Genome position (GRCh38, 1-based): chr20:25,317,073, C>T on the plus strand (G>A on the coding strand, the complement: ABHD12 is on the minus strand). VCF-style: chr20-25317073-C-T. GRCh37 (hg19) VCF-style: chr20-25297709-C-T.
Other names: c.548G>A, p.Gly183Asp (NM_015600.5); short protein forms G183D.
Identifiers: ClinVar variation 1495953 (VCV001495953.7), dbSNP rs915790342, ClinGen allele CA313726534.
Genomic context (GRCh38, chr20:25,317,073, plus strand): 5'-CCCAGGGAACAGGTGTGGGTGCTGCCTGCACTCACCTTGTAAAGCTCCACGCGGTGGTCG[C>T]CTCCTCTGGAGAAGAAAACAGGACATGGTGTGAGCACATCTTCTCAGAGTTGGGCCCCAG-3'
Protein context (NP_001035937.1, residues 173-193): YLHGNAGTRG[Gly183Asp]DHRVELYKVL

ClinVar aggregate classification (germline): Uncertain significance (1 of 4 stars; one submission).

Allele frequency attached by ClinVar (database versions not stated): gnomAD exomes below 0.00001 and 0.00001; gnomAD 0.00001; TOPMed 0.00003.
gnomAD v4.1: 14 of 1,612,228 alleles (0.00087%); highest among the groups gnomAD compares: Non-Finnish European, 0.0012%; no homozygotes.

Submission:

Labcorp Genetics (formerly Invitae), Labcorp
Classification: Uncertain significance. Last evaluated: 2021-03-21. Review status: criteria provided, single submitter. Criteria: Invitae Variant Classification Sherloc (09022015). Collection method: clinical testing. Allele origin: germline.
Comment: Algorithms developed to predict the effect of missense changes on protein structure and function are either unavailable or do not agree on the potential impact of this missense change (SIFT: "Tolerated"; PolyPhen-2: "Probably Damaging"; Align-GVGD: "Class C0"). This variant has not been reported in the literature in individuals with ABHD12-related conditions. This variant is not present in population databases (ExAC no frequency). This sequence change replaces glycine with aspartic acid at codon 183 of the ABHD12 protein (p.Gly183Asp). The glycine residue is moderately conserved and there is a moderate physicochemical difference between glycine and aspartic acid. In summary, the available evidence is currently insufficient to determine the role of this variant in disease. Therefore, it has been classified as a Variant of Uncertain Significance.